The following is an entry in ClinVar:

ClinVar aggregate classification (germline): Uncertain significance (1 of 4 stars; one submission).

Conditions:
Myofibrillar myopathy 4. Also called: Zaspopathy (type). Identifiers: Orphanet 98912, MedGen C4721886, MONDO:0012277, OMIM 609452.

Submission:

Labcorp Genetics (formerly Invitae), Labcorp
Classification: Uncertain significance for Myofibrillar myopathy 4. Last evaluated: 2025-03-13. Review status: criteria provided, single submitter. Criteria: Invitae Variant Classification Sherloc (09022015). Collection method: clinical testing. Allele origin: germline.
Comment: The LDB3 gene has multiple clinically relevant transcripts. This variant occurs in alternate transcript NM_007078.3, and corresponds to NM_001080116.1:c.321+1367A>T in the primary transcript. This sequence change replaces glutamic acid, which is acidic and polar, with valine, which is neutral and non-polar, at codon 137 of the LDB3 protein (p.Glu137Val). This variant is not present in population databases (gnomAD no frequency). This variant has not been reported in the literature in individuals affected with LDB3-related conditions. Algorithms developed to predict the effect of sequence changes on RNA splicing suggest that this variant is not likely to affect RNA splicing. In summary, the available evidence is currently insufficient to determine the role of this variant in disease. Therefore, it has been classified as a Variant of Uncertain Significance.

NM_007078.3(LDB3):c.410A>T (p.Glu137Val)

Gene: LDB3 (LIM domain binding 3; plus strand). Cytogenetic location: 10q23.2.
Variant type: single nucleotide variant.
Coding change: c.410A>T on transcript NM_007078.3 (MANE Select); coding-DNA position 410, A replaced by T.
Protein change: p.Glu137Val; replaces glutamic acid 137 with valine.
Molecular consequence: missense variant. On other transcripts: intron variant (5).
Genome position (GRCh38, 1-based): chr10:86,681,524, A>T. VCF-style: chr10-86681524-A-T. GRCh37 (hg19) VCF-style: chr10-88441281-A-T.
Other names: c.410A>T, p.Glu137Val (NM_001080115.2, NM_001171610.2, NM_001171611.2 and 3 more transcripts); c.321+1367A>T (NM_001368068.1, NM_001368066.1, NM_001080114.2 and 2 more transcripts); short protein forms E137V.
Identifiers: ClinVar variation 4715061 (VCV004715061.1).